The following is an entry in ClinVar:

ClinVar aggregate classification (germline): Likely benign. Review status: criteria provided, multiple submitters, no conflicts (2 of 4 stars). 2 submissions from 2 submitters: Likely benign (2). Last evaluated 2024-11-01.

Allele frequency attached by ClinVar (database versions not stated): gnomAD exomes 0.00004 and 0.00007; gnomAD 0.00005 and 0.00006; TOPMed 0.00007; ESP Exome Variant Server 0.00008; ExAC 0.00009.
gnomAD v4.1: 87 of 1,613,198 alleles (0.0054%); highest among the groups gnomAD compares: African/African-American, 0.012%; 1 homozygote.

Submissions (2):

CeGaT Center for Human Genetics Tuebingen
Classification: Likely benign. Last evaluated: 2024-11-01. Review status: criteria provided, single submitter. Criteria: CeGaT Center For Human Genetics Tuebingen Variant Classification Criteria Version 2. Collection method: clinical testing. Allele origin: germline. Affected: yes. Observed: 6 variant alleles.
Comment: CDH15: BP4, BP7

Labcorp Genetics (formerly Invitae), Labcorp
Classification: Likely benign. Last evaluated: 2018-04-13. Review status: criteria provided, single submitter. Criteria: Invitae Variant Classification Sherloc (09022015). Collection method: clinical testing. Allele origin: germline.

NM_004933.3(CDH15):c.132G>T (p.Arg44=)

Gene: CDH15 (cadherin 15; plus strand). Cytogenetic location: 16q24.3.
Variant type: single nucleotide variant.
Coding change: c.132G>T on transcript NM_004933.3 (MANE Select); coding-DNA position 132, G replaced by T.
Protein change: p.Arg44=; no amino-acid change (arginine 44 retained).
Molecular consequence: synonymous variant.
Genome position (GRCh38, 1-based): chr16:89,179,505, G>T. VCF-style: chr16-89179505-G-T. GRCh37 (hg19) VCF-style: chr16-89245913-G-T.
Identifiers: ClinVar variation 444387 (VCV000444387.46), dbSNP rs141170431, ClinGen allele CA8238695.